The following is an entry in ClinVar:

ClinVar aggregate classification (germline): Conflicting classifications of pathogenicity. Review status: criteria provided, conflicting classifications (1 of 4 stars). 3 submissions from 3 submitters: Uncertain significance (2); Likely benign (1). Last evaluated 2023-03-08.

Conditions:
Ichthyosis linearis circumflexa. Identifiers: MedGen C0265962, MONDO:0043106, HP:0025810.
Inborn genetic diseases. Identifiers: MedGen C0950123, MeSH D030342.

Allele frequency attached by ClinVar (database versions not stated): gnomAD exomes below 0.00001 and 0.00004; TOPMed 0.00001; gnomAD 0.00002.
gnomAD v4.1: 55 of 1,612,432 alleles (0.0034%); highest among the groups gnomAD compares: Non-Finnish European, 0.0047%; no homozygotes.

Submissions (3):

Blueprint Genetics
Classification: Likely benign. Last evaluated: 2023-03-08. Review status: criteria provided, single submitter. Criteria: ACMG Guidelines, 2015. Collection method: clinical testing. Allele origin: germline.

Labcorp Genetics (formerly Invitae), Labcorp
Classification: Uncertain significance for Ichthyosis linearis circumflexa. Last evaluated: 2022-07-12. Review status: criteria provided, single submitter. Criteria: Invitae Variant Classification Sherloc (09022015). Collection method: clinical testing. Allele origin: germline.
Comment: This sequence change replaces lysine, which is basic and polar, with arginine, which is basic and polar, at codon 354 of the SPINK5 protein (p.Lys354Arg). This variant is present in population databases (no rsID available, gnomAD 0.002%). In summary, the available evidence is currently insufficient to determine the role of this variant in disease. Therefore, it has been classified as a Variant of Uncertain Significance. Algorithms developed to predict the effect of missense changes on protein structure and function output the following: SIFT: "Deleterious"; PolyPhen-2: "Benign"; Align-GVGD: "Class C0". The arginine amino acid residue is found in multiple mammalian species, which suggests that this missense change does not adversely affect protein function. ClinVar contains an entry for this variant (Variation ID: 1413328). This variant has not been reported in the literature in individuals affected with SPINK5-related conditions.

Ambry Genetics
Classification: Uncertain significance for Inborn genetic diseases. Last evaluated: 2021-07-09. Review status: criteria provided, single submitter. Criteria: Ambry Variant Classification Scheme 2023. Collection method: clinical testing. Allele origin: germline.

NM_006846.4(SPINK5):c.1061A>G (p.Lys354Arg)

Gene: SPINK5 (serine peptidase inhibitor Kazal type 5; plus strand). Cytogenetic location: 5q32.
Variant type: single nucleotide variant.
Coding change: c.1061A>G on transcript NM_006846.4 (MANE Select); coding-DNA position 1061, A replaced by G.
Protein change: p.Lys354Arg; replaces lysine 354 with arginine.
Molecular consequence: missense variant.
Genome position (GRCh38, 1-based): chr5:148,099,284, A>G. VCF-style: chr5-148099284-A-G. GRCh37 (hg19) VCF-style: chr5-147478847-A-G.
Other names: c.1061A>G (NM_006846.3); c.1061A>G, p.Lys354Arg (NM_001127698.2, NM_001127699.2); short protein forms K354R.
Identifiers: ClinVar variation 1413328 (VCV001413328.6), dbSNP rs1164760968, ClinGen allele CA361635803.